The following is an entry in ClinVar:

NM_001146.5(ANGPT1):c.467C>T (p.Thr156Ile)

Gene: ANGPT1 (angiopoietin 1; minus strand). Cytogenetic location: 8q23.1.
Variant type: single nucleotide variant.
Coding change: c.467C>T on transcript NM_001146.5 (MANE Select); coding-DNA position 467, C replaced by T.
Protein change: p.Thr156Ile; replaces threonine 156 with isoleucine.
Molecular consequence: missense variant. On other transcripts: 5 prime UTR variant (1).
Genome position (GRCh38, 1-based): chr8:107,336,258, G>A on the plus strand (C>T on the coding strand, the complement: ANGPT1 is on the minus strand). VCF-style: chr8-107336258-G-A. GRCh37 (hg19) VCF-style: chr8-108348486-G-A.
Other names: c.467C>T, p.Thr156Ile (NM_001199859.3); c.-134C>T (NM_001314051.2); short protein forms T156I.
Identifiers: ClinVar variation 2697428 (VCV002697428.3), dbSNP rs2488284890, ClinGen allele CA372034667.
Genomic context (GRCh38, chr8:107,336,258, plus strand): 5'-TGCTTCTCTAGCTTGTAGGTGGATAATGAATTCTCCAGCAGCTGTATCTCAAGTCGAGAA[G>A]TTTGATTTAGTACCTTAAGATAAAAGATGAAAATATTTCAAACTTCAGTCACGAATCAAA-3'
Protein context (NP_001137.2, residues 146-166): TDVETQVLNQ[Thr156Ile]SRLEIQLLEN

ClinVar aggregate classification (germline): Uncertain significance (1 of 4 stars; one submission).

Allele frequency attached by ClinVar (database versions not stated): gnomAD exomes below 0.00001.
gnomAD v4.1: 1 of 1,600,276 alleles (0.000062%); highest among the groups gnomAD compares: African/African-American, 0.0013%; no homozygotes.

Submission:

Labcorp Genetics (formerly Invitae), Labcorp
Classification: Uncertain significance. Last evaluated: 2023-11-19. Review status: criteria provided, single submitter. Criteria: Invitae Variant Classification Sherloc (09022015). Collection method: clinical testing. Allele origin: germline.
Comment: This sequence change replaces threonine, which is neutral and polar, with isoleucine, which is neutral and non-polar, at codon 156 of the ANGPT1 protein (p.Thr156Ile). This variant is not present in population databases (gnomAD no frequency). This variant has not been reported in the literature in individuals affected with ANGPT1-related conditions. An algorithm developed to predict the effect of missense changes on protein structure and function (PolyPhen-2) suggests that this variant is likely to be tolerated. In summary, the available evidence is currently insufficient to determine the role of this variant in disease. Therefore, it has been classified as a Variant of Uncertain Significance.